The following is an entry in ClinVar:

ClinVar aggregate classification (germline): Pathogenic (1 of 4 stars; one submission).

Submission:

GeneDx
Classification: Pathogenic. Last evaluated: 2024-06-05. Review status: criteria provided, single submitter. Criteria: GeneDx Variant Classification Process June 2021. Collection method: clinical testing. Allele origin: germline. Affected: yes.
Comment: Nonsense variant predicted to result in protein truncation or nonsense mediated decay in a gene for which loss of function is a known mechanism of disease; Not observed at significant frequency in large population cohorts (gnomAD); This variant is associated with the following publications: (PMID: 38412861)

NM_006885.4(ZFHX3):c.3628C>T (p.Arg1210Ter)

Genes: ZFHX3 (zinc finger homeobox 3; minus strand), ZFHX3-AS1 (ZFHX3 antisense RNA 1; plus strand). Cytogenetic location: 16q22.3.
Variant type: single nucleotide variant.
Coding change: c.3628C>T on transcript NM_006885.4 (MANE Select); coding-DNA position 3628, C replaced by T.
Protein change: p.Arg1210Ter; replaces arginine 1210 with a stop codon.
Molecular consequence: nonsense.
Genome position (GRCh38, 1-based): chr16:72,811,940, G>A on the plus strand (C>T on the coding strand, the complement: ZFHX3 is on the minus strand). VCF-style: chr16-72811940-G-A. GRCh37 (hg19) VCF-style: chr16-72845839-G-A.
Other names: c.886C>T, p.Arg296Ter (NM_001164766.2); c.3628C>T, p.Arg1210Ter (NM_001386735.1); short protein forms R1210*, R296*.
Identifiers: ClinVar variation 3390581 (VCV003390581.1).